The following is an entry in ClinVar:

ClinVar aggregate classification (germline): Uncertain significance (1 of 4 stars; one submission).

Conditions:
CHARGE syndrome (CHARGE). Also called: Hittner Hirsch Kreh syndrome; Coloboma, heart anomaly, choanal atresia, retardation, genital and ear anomalies; CHARGE association; Hall-Hittner syndrome; CHARGE ASSOCIATION--COLOBOMA, HEART ANOMALY, CHOANAL ATRESIA, RETARDATION, GENITAL AND EAR ANOMALIES. Identifiers: Orphanet 138, MedGen C0265354, MONDO:0008965.

Submission:

Labcorp Genetics (formerly Invitae), Labcorp
Classification: Uncertain significance for CHARGE syndrome. Last evaluated: 2019-10-22. Review status: criteria provided, single submitter. Criteria: Invitae Variant Classification Sherloc (09022015). Collection method: clinical testing. Allele origin: germline.
Comment: This variant is not present in population databases (ExAC no frequency). In summary, the available evidence is currently insufficient to determine the role of this variant in disease. Therefore, it has been classified as a Variant of Uncertain Significance. This sequence change replaces aspartic acid with glutamic acid at codon 1993 of the CHD7 protein (p.Asp1993Glu). The aspartic acid residue is highly conserved and there is a small physicochemical difference between aspartic acid and glutamic acid. Algorithms developed to predict the effect of missense changes on protein structure and function are either unavailable or do not agree on the potential impact of this missense change (SIFT: "Deleterious"; PolyPhen-2: "Benign"; Align-GVGD: "Class C35"). This variant has not been reported in the literature in individuals with CHD7-related conditions.

NM_017780.4(CHD7):c.5979C>G (p.Asp1993Glu)

Gene: CHD7 (chromodomain helicase DNA binding protein 7; plus strand). Cytogenetic location: 8q12.2.
Variant type: single nucleotide variant.
Coding change: c.5979C>G on transcript NM_017780.4 (MANE Select); coding-DNA position 5979, C replaced by G.
Protein change: p.Asp1993Glu; replaces aspartic acid 1993 with glutamic acid.
Molecular consequence: missense variant. On other transcripts: intron variant (1).
Genome position (GRCh38, 1-based): chr8:60,852,582, C>G. VCF-style: chr8-60852582-C-G. GRCh37 (hg19) VCF-style: chr8-61765141-C-G.
Other names: c.1717-9647C>G (NM_001316690.1); short protein forms D1993E.
Identifiers: ClinVar variation 934343 (VCV000934343.9), dbSNP rs1805502860, ClinGen allele CA371323846.